The following is an entry in ClinVar:

NM_001289808.2(CRYAB):c.317A>G (p.Glu106Gly)

Gene: CRYAB (crystallin alpha B; minus strand). Cytogenetic location: 11q23.1.
Variant type: single nucleotide variant.
Coding change: c.317A>G on transcript NM_001289808.2 (MANE Select); coding-DNA position 317, A replaced by G.
Protein change: p.Glu106Gly; replaces glutamic acid 106 with glycine.
Molecular consequence: missense variant.
Genome position (GRCh38, 1-based): chr11:111,910,334, T>C on the plus strand (A>G on the coding strand, the complement: CRYAB is on the minus strand). VCF-style: chr11-111910334-T-C. GRCh37 (hg19) VCF-style: chr11-111781058-T-C.
Other names: c.317A>G, p.Glu106Gly (NM_001289807.1, NM_001368245.1, NM_001885.3); c.116A>G, p.Glu39Gly (NM_001330379.1, NM_001368246.1); short protein forms E106G, E39G.
Identifiers: ClinVar variation 4711796 (VCV004711796.1).

ClinVar aggregate classification (germline): Uncertain significance (1 of 4 stars; one submission).

Conditions:
Dilated cardiomyopathy 1II (CMD1II). Identifiers: Orphanet 154, MedGen C3554649, MONDO:0014073, OMIM 615184.

gnomAD v4.1: 1 of 1,614,196 alleles (0.000062%); highest among the groups gnomAD compares: Non-Finnish European, 0.000085%; no homozygotes.

Submission:

Labcorp Genetics (formerly Invitae), Labcorp
Classification: Uncertain significance for Dilated cardiomyopathy 1II. Last evaluated: 2026-01-27. Review status: criteria provided, single submitter. Criteria: Invitae Variant Classification Sherloc (09022015). Collection method: clinical testing. Allele origin: germline.
Comment: This sequence change replaces glutamic acid, which is acidic and polar, with glycine, which is neutral and non-polar, at codon 106 of the CRYAB protein (p.Glu106Gly). This variant is not present in population databases (gnomAD no frequency). This variant has not been reported in the literature in individuals affected with CRYAB-related conditions. An algorithm developed to predict the effect of missense changes on protein structure and function (PolyPhen-2) suggests that this variant is likely to be disruptive. In summary, the available evidence is currently insufficient to determine the role of this variant in disease. Therefore, it has been classified as a Variant of Uncertain Significance.